The following is an entry in ClinVar:

NM_000147.5(FUCA1):c.768+1G>T

Gene: FUCA1 (alpha-L-fucosidase 1; minus strand). Cytogenetic location: 1p36.11.
Variant type: single nucleotide variant.
Coding change: c.768+1G>T on transcript NM_000147.5 (MANE Select); the canonical splice donor site of the intron after coding-DNA position 768, G replaced by T.
Molecular consequence: splice donor variant.
Genome position (GRCh38, 1-based): chr1:23,859,797, C>A on the plus strand (G>T on the coding strand, the complement: FUCA1 is on the minus strand). VCF-style: chr1-23859797-C-A. GRCh37 (hg19) VCF-style: chr1-24186287-C-A.
Identifiers: ClinVar variation 2715767 (VCV002715767.4), dbSNP rs1639468949, ClinGen allele CA339004828.

ClinVar aggregate classification (germline): Likely pathogenic. Review status: criteria provided, multiple submitters, no conflicts (2 of 4 stars). 2 submissions from 2 submitters: Likely pathogenic (2). Last evaluated 2024-06-12.

Conditions:
Fucosidosis. Also called: ALPHA-L-FUCOSIDASE DEFICIENCY. Identifiers: Orphanet 349, MedGen C0016788, MONDO:0009254, OMIM 230000.

Submissions (2):

Fulgent Genetics
Classification: Likely pathogenic for Fucosidosis. Last evaluated: 2024-06-12. Review status: criteria provided, single submitter. Criteria: ACMG Guidelines, 2015. Collection method: clinical testing. Allele origin: germline.

Labcorp Genetics (formerly Invitae), Labcorp
Classification: Likely pathogenic for Fucosidosis. Last evaluated: 2023-11-28. Review status: criteria provided, single submitter. Criteria: Invitae Variant Classification Sherloc (09022015). Collection method: clinical testing. Allele origin: germline.
Comment: This sequence change affects a donor splice site in intron 4 of the FUCA1 gene. It is expected to disrupt RNA splicing. Variants that disrupt the donor or acceptor splice site typically lead to a loss of protein function (PMID: 16199547), and loss-of-function variants in FUCA1 are known to be pathogenic (PMID: 10094192). This variant is not present in population databases (gnomAD no frequency). Disruption of this splice site has been observed in individual(s) with autosomal recessive fucosidosis (PMID: 28097321). Algorithms developed to predict the effect of sequence changes on RNA splicing suggest that this variant may disrupt the consensus splice site. In summary, the currently available evidence indicates that the variant is pathogenic, but additional data are needed to prove that conclusively. Therefore, this variant has been classified as Likely Pathogenic.

Literature cited by the submitters: PubMed 16199547 (cited by Labcorp Genetics (formerly Invitae), Labcorp); PubMed 10094192 (cited by Labcorp Genetics (formerly Invitae), Labcorp); PubMed 28097321 (cited by Labcorp Genetics (formerly Invitae), Labcorp).